The following is an entry in ClinVar:

ClinVar aggregate classification (germline): Uncertain significance (1 of 4 stars; one submission).

Submission:

Labcorp Genetics (formerly Invitae), Labcorp
Classification: Uncertain significance. Last evaluated: 2025-01-13. Review status: criteria provided, single submitter. Criteria: Invitae Variant Classification Sherloc (09022015). Collection method: clinical testing. Allele origin: germline.
Comment: This sequence change replaces tryptophan, which is neutral and slightly polar, with serine, which is neutral and polar, at codon 75 of the KIAA1161 protein (p.Trp75Ser). This variant is not present in population databases (gnomAD no frequency). This variant has not been reported in the literature in individuals affected with KIAA1161-related conditions. Experimental studies and prediction algorithms are not available or were not evaluated, and the functional significance of this variant is currently unknown. In summary, the available evidence is currently insufficient to determine the role of this variant in disease. Therefore, it has been classified as a Variant of Uncertain Significance.

NM_020702.5(MYORG):c.224G>C (p.Trp75Ser)

Gene: MYORG (myogenesis regulating glycosidase; minus strand). Cytogenetic location: 9p13.3.
Variant type: single nucleotide variant.
Coding change: c.224G>C on transcript NM_020702.5 (MANE Select); coding-DNA position 224, G replaced by C.
Protein change: p.Trp75Ser; replaces tryptophan 75 with serine.
Molecular consequence: missense variant.
Genome position (GRCh38, 1-based): chr9:34,372,720, C>G on the plus strand (G>C on the coding strand, the complement: MYORG is on the minus strand). VCF-style: chr9-34372720-C-G. GRCh37 (hg19) VCF-style: chr9-34372718-C-G.
Other names: short protein forms W75S.
Identifiers: ClinVar variation 3674778 (VCV003674778.1).
Genomic context (GRCh38, chr9:34,372,720, plus strand): 5'-AGGTCCAGCAGCTCCGCGCGAAGTCGCTCCGCCTTGCGTAGGGAGACGCTGTAGTAGCAC[C>G]AGGCCACCACCGCGGCCAGCACAAGCAGCAGCCCCAGAACCGCGGAGCCCAGCAGCGGCT-3'
Protein context (NP_065753.2, residues 65-85): LLLVLAAVVA[Trp75Ser]CYYSVSLRKA